The following is an entry in ClinVar:

NM_000214.3(JAG1):c.-384T>G

Gene: JAG1 (jagged canonical Notch ligand 1; minus strand). Cytogenetic location: 20p12.2.
Variant type: single nucleotide variant.
Coding change: c.-384T>G on transcript NM_000214.3 (MANE Select); 384 bases upstream of the start codon, T replaced by G.
Molecular consequence: 5 prime UTR variant.
Genome position (GRCh38, 1-based): chr20:10,673,914, A>C on the plus strand (T>G on the coding strand, the complement: JAG1 is on the minus strand). VCF-style: chr20-10673914-A-C. GRCh37 (hg19) VCF-style: chr20-10654562-A-C.
Other names: c.-384T>G (LRG_1191t1).
Identifiers: ClinVar variation 337770 (VCV000337770.29), dbSNP rs559044448, ClinGen allele CA10652959.

ClinVar aggregate classification (germline): Conflicting classifications of pathogenicity. Review status: criteria provided, conflicting classifications (1 of 4 stars). 2 submissions from 2 submitters: Uncertain significance (1); Likely benign (1). Last evaluated 2023-07-01.

Conditions:
Isolated Nonsyndromic Congenital Heart Disease.

Allele frequency attached by ClinVar (database versions not stated): 1000 Genomes Project 30x 0.00281; gnomAD exomes 0.00281; gnomAD 0.00390 and 0.00399; TOPMed 0.00397.
gnomAD v4.1: 594 of 152,380 alleles (0.39%); highest among the groups gnomAD compares: Admixed American, 0.62%; 2 homozygotes.

Submissions (2):

CeGaT Center for Human Genetics Tuebingen
Classification: Likely benign. Last evaluated: 2023-07-01. Review status: criteria provided, single submitter. Criteria: CeGaT Center For Human Genetics Tuebingen Variant Classification Criteria Version 2. Collection method: clinical testing. Allele origin: germline. Affected: yes. Observed: 5 variant alleles.
Comment: JAG1: BS1

Illumina Laboratory Services, Illumina
Classification: Uncertain significance for Isolated Nonsyndromic Congenital Heart Disease. Last evaluated: 2018-01-13. Review status: criteria provided, single submitter. Criteria: ICSL Variant Classification Criteria 13 December 2019. Collection method: clinical testing. Allele origin: germline.